The following is an entry in ClinVar:

NM_002474.3(MYH11):c.2709T>C (p.Tyr903=)

Gene: MYH11 (myosin heavy chain 11; minus strand). Cytogenetic location: 16p13.11.
Variant type: single nucleotide variant.
Coding change: c.2709T>C on transcript NM_002474.3 (MANE Select); coding-DNA position 2709, T replaced by C.
Protein change: p.Tyr903=; no amino-acid change (tyrosine 903 retained).
Molecular consequence: synonymous variant.
Genome position (GRCh38, 1-based): chr16:15,741,613, A>G on the plus strand (T>C on the coding strand, the complement: MYH11 is on the minus strand). VCF-style: chr16-15741613-A-G. GRCh37 (hg19) VCF-style: chr16-15835470-A-G.
Other names: c.2730T>C, p.Tyr910= (NM_001040113.2, NM_001040114.2); c.2709T>C, p.Tyr903= (NM_022844.3).
Identifiers: ClinVar variation 2773837 (VCV002773837.3), dbSNP rs2506206057, ClinGen allele CA493790575.

ClinVar aggregate classification (germline): Likely benign. Review status: criteria provided, multiple submitters, no conflicts (2 of 4 stars). 2 submissions from 2 submitters: Likely benign (2). Last evaluated 2023-12-18.

Conditions:
Familial thoracic aortic aneurysm and aortic dissection (TAAD). Also called: Thoracic aortic aneurysms and dissections. Identifiers: Orphanet 91387, MedGen C4707243, MONDO:0019625.

Allele frequency attached by ClinVar (database versions not stated): gnomAD exomes below 0.00001.
gnomAD v4.1: 3 of 1,613,162 alleles (0.00019%); highest among the groups gnomAD compares: African/African-American, 0.004%; no homozygotes.

Submissions (2):

All of Us Research Program, National Institutes of Health
Classification: Likely benign for Familial thoracic aortic aneurysm and aortic dissection. Last evaluated: 2023-12-18. Review status: criteria provided, single submitter. Criteria: ACMG Guidelines, 2015. Collection method: clinical testing. Allele origin: germline. Inheritance: Autosomal dominant inheritance. Observed: 1 variant allele, 1 heterozygote.
Comment: This study involves interpretation of variants in research participants for the purpose of population health screening. Participant phenotype was not available at the time of variant classification. Additional details can be found in publication PMID: 35346344, PMCID: PMC8962531

Color Diagnostics, LLC DBA Color Health
Classification: Likely benign for Familial thoracic aortic aneurysm and aortic dissection. Last evaluated: 2022-12-13. Review status: criteria provided, single submitter. Criteria: ACMG Guidelines, 2015. Collection method: clinical testing. Allele origin: germline.